The following is an entry in ClinVar:

NM_000202.8(IDS):c.1106C>A (p.Ser369Ter)

Genes: IDS (iduronate 2-sulfatase; minus strand), LOC106050102 (IDS recombination region; plus strand). Cytogenetic location: Xq28.
Variant type: single nucleotide variant.
Coding change: c.1106C>A on transcript NM_000202.8 (MANE Select); coding-DNA position 1106, C replaced by A.
Protein change: p.Ser369Ter; replaces serine 369 with a stop codon.
Molecular consequence: nonsense.
Genome position (GRCh38, 1-based): chrX:149,486,999, G>T on the plus strand (C>A on the coding strand, the complement: IDS is on the minus strand). VCF-style: chrX-149486999-G-T. GRCh37 (hg19) VCF-style: chrX-148568530-G-T.
Other names: c.836C>A, p.Ser279Ter (NM_001166550.4); short protein forms S369*, S279*.
Identifiers: ClinVar variation 569306 (VCV000569306.6), dbSNP rs1557338127, ClinGen allele CA414518820.

ClinVar aggregate classification (germline): Pathogenic. Review status: criteria provided, multiple submitters, no conflicts (2 of 4 stars). 2 submissions from 2 submitters: Pathogenic (2). Last evaluated 2024-06-07.

Conditions:
Mucopolysaccharidosis, MPS-II (MPS2). Also called: Mucopolysaccharidosis Type II; Mucopolysaccharidosis with skin involvement; Attenuated MPS (subtype; formerly known as mild MPS II); Severe MPS II; I2S deficiency; MPS 2. Identifiers: Orphanet 580, Orphanet 79388, MedGen C0026705, MONDO:0010674, OMIM 309900.

Submissions (2):

Laboratory of Diagnosis and Therapy of Lysosomal Disorders, University of Padova
Classification: Pathogenic for Mucopolysaccharidosis, MPS-II. Last evaluated: 2024-06-07. Review status: criteria provided, single submitter. Criteria: ACMG Guidelines, 2015. Collection method: literature only. Allele origin: germline. Affected: yes. Observed: 1 variant allele.
Comment: Null variant (PVS1_VeryStrong), Absent from controls (or at low frequency) in gnomAD database (PM2_Moderate), Patient’s phenotype or family history highly specific for the disease (PP4_Strong)

Classification method: ACMG Guidelines [PMID:25741868] with modifications

Labcorp Genetics (formerly Invitae), Labcorp
Classification: Pathogenic for Mucopolysaccharidosis, MPS-II. Last evaluated: 2021-09-01. Review status: criteria provided, single submitter. Criteria: Invitae Variant Classification Sherloc (09022015). Collection method: clinical testing. Allele origin: germline.

Literature cited by the submitters: PubMed 20960627 (cited by Laboratory of Diagnosis and Therapy of Lysosomal Disorders, University of Padova).